The following is an entry in ClinVar:

NM_000089.4(COL1A2):c.1775G>A (p.Gly592Asp)

Gene: COL1A2 (collagen type I alpha 2 chain; plus strand). Cytogenetic location: 7q21.3.
Variant type: single nucleotide variant.
Coding change: c.1775G>A on transcript NM_000089.4 (MANE Select); coding-DNA position 1775, G replaced by A.
Protein change: p.Gly592Asp; replaces glycine 592 with aspartic acid.
Molecular consequence: missense variant.
Genome position (GRCh38, 1-based): chr7:94,416,415, G>A. VCF-style: chr7-94416415-G-A. GRCh37 (hg19) VCF-style: chr7-94045727-G-A.
Other names: short protein forms G592D.
Identifiers: ClinVar variation 2945135 (VCV002945135.3), dbSNP rs2484719766, ClinGen allele CA368222579.

ClinVar aggregate classification (germline): Likely pathogenic (1 of 4 stars; one submission).

Conditions:
Osteogenesis imperfecta type I (OI1). Also called: Lobstein disease; OI, TYPE I; OSTEOGENESIS IMPERFECTA TARDA; OSTEOGENESIS IMPERFECTA WITH BLUE SCLERAE; Osteogenesis imperfecta type 1; Lobstein's Disease. Identifiers: Orphanet 216796, Orphanet 666, MedGen C0023931, MONDO:0008146, OMIM 166200. Disease mechanism: loss of function.
Ehlers-Danlos syndrome, classic type, 1 (EDSCL1). Also called: EDS I; EHLERS-DANLOS SYNDROME, GRAVIS TYPE; EHLERS-DANLOS SYNDROME, SEVERE CLASSIC TYPE; Ehlers-Danlos syndrome, type 1; Ehlers-Danlos Syndrome, Classic Type, COL5A1-Related. Identifiers: MedGen C0268335, MONDO:0019567, OMIM 130000.

Submission:

Labcorp Genetics (formerly Invitae), Labcorp
Classification: Likely pathogenic for Osteogenesis imperfecta type I; Ehlers-Danlos syndrome, classic type, 1. Last evaluated: 2024-12-02. Review status: criteria provided, single submitter. Criteria: Invitae Variant Classification Sherloc (09022015). Collection method: clinical testing. Allele origin: germline.
Comment: This sequence change replaces glycine, which is neutral and non-polar, with aspartic acid, which is acidic and polar, at codon 592 of the COL1A2 protein (p.Gly592Asp). This variant is not present in population databases (gnomAD no frequency). This variant has not been reported in the literature in individuals affected with COL1A2-related conditions. ClinVar contains an entry for this variant (Variation ID: 2945135). Invitae Evidence Modeling of protein sequence and biophysical properties (such as structural, functional, and spatial information, amino acid conservation, physicochemical variation, residue mobility, and thermodynamic stability) indicates that this missense variant is expected to disrupt COL1A2 protein function with a positive predictive value of 95%. This variant disrupts the triple helix domain of COL1A2. Glycine residues within the Gly-Xaa-Yaa repeats of the triple helix domain are required for the structure and stability of fibrillar collagens (PMID: 7695699, 8218237, 19344236). In COL1A2, variants affecting these glycine residues are significantly enriched in individuals with disease (PMID: 9016532, 17078022) compared to the general population (ExAC). In summary, the currently available evidence indicates that the variant is pathogenic, but additional data are needed to prove that conclusively. Therefore, this variant has been classified as Likely Pathogenic.

Literature cited by the submitters: PubMed 7695699; PubMed 8218237; PubMed 19344236; PubMed 9016532; PubMed 17078022.